The following is an entry in ClinVar:

ClinVar aggregate classification (germline): Uncertain significance. Review status: criteria provided, multiple submitters, no conflicts (2 of 4 stars). 2 submissions from 2 submitters: Uncertain significance (2). Last evaluated 2025-11-03.

Conditions:
Bailey-Bloch congenital myopathy (CMYO13). Also called: STAC3 disorder; Congenital myopathy 13; Native American myopathy. Identifiers: Orphanet 168572, MedGen C1850625, MONDO:0009722, OMIM 255995.
Inborn genetic diseases. Identifiers: MedGen C0950123, MeSH D030342.

Allele frequency attached by ClinVar (database versions not stated): gnomAD 0.00002 and 0.00003; TOPMed 0.00002; gnomAD exomes 0.00009 and 0.00018; ExAC 0.00020.
gnomAD v4.1: 146 of 1,613,444 alleles (0.009%); highest among the groups gnomAD compares: South Asian, 0.077%; no homozygotes.

Submissions (2):

Ambry Genetics
Classification: Uncertain significance for Inborn genetic diseases. Last evaluated: 2025-11-03. Review status: criteria provided, single submitter. Criteria: Ambry Variant Classification Scheme 2023. Collection method: clinical testing. Allele origin: germline.

Labcorp Genetics (formerly Invitae), Labcorp
Classification: Uncertain significance for Bailey-Bloch congenital myopathy. Last evaluated: 2022-08-19. Review status: criteria provided, single submitter. Criteria: Invitae Variant Classification Sherloc (09022015). Collection method: clinical testing. Allele origin: germline.
Comment: This sequence change replaces leucine, which is neutral and non-polar, with arginine, which is basic and polar, at codon 84 of the STAC3 protein (p.Leu84Arg). This variant is present in population databases (rs201754072, gnomAD 0.07%). This variant has not been reported in the literature in individuals affected with STAC3-related conditions. ClinVar contains an entry for this variant (Variation ID: 534099). Algorithms developed to predict the effect of missense changes on protein structure and function (SIFT, PolyPhen-2, Align-GVGD) all suggest that this variant is likely to be tolerated. In summary, the available evidence is currently insufficient to determine the role of this variant in disease. Therefore, it has been classified as a Variant of Uncertain Significance.

NM_145064.3(STAC3):c.251T>G (p.Leu84Arg)

Gene: STAC3 (SH3 and cysteine rich domain 3; minus strand). Cytogenetic location: 12q13.3.
Variant type: single nucleotide variant.
Coding change: c.251T>G on transcript NM_145064.3 (MANE Select); coding-DNA position 251, T replaced by G.
Protein change: p.Leu84Arg; replaces leucine 84 with arginine.
Molecular consequence: missense variant. On other transcripts: intron variant (1).
Genome position (GRCh38, 1-based): chr12:57,249,124, A>C on the plus strand (T>G on the coding strand, the complement: STAC3 is on the minus strand). VCF-style: chr12-57249124-A-C. GRCh37 (hg19) VCF-style: chr12-57642907-A-C.
Other names: c.134T>G, p.Leu45Arg (NM_001286256.2); c.-126-926T>G (NM_001286257.2); c.251T>G (NM_145064.1); short protein forms L84R, L45R.
Identifiers: ClinVar variation 534099 (VCV000534099.5), dbSNP rs201754072, ClinGen allele CA6647212.
Genomic context (GRCh38, chr12:57,249,124, plus strand): 5'-TCACAGAACTTTGGCTTCTTGAAGAAGTGATCTTTGAATTTGTGGGGCTTATCGTTGACC[A>C]GCTTAGGAGGTTCTGGGGGTGGCTCCTCCTCCTCCTCTTCTTCCTCTTCCTCTTCCTCAT-3'
Protein context (NP_659501.1, residues 74-94): EEEPPPEPPK[Leu84Arg]VNDKPHKFKD